The following is an entry in ClinVar:

ClinVar aggregate classification (germline): Uncertain significance (1 of 4 stars; one submission).

Submission:

Labcorp Genetics (formerly Invitae), Labcorp
Classification: Uncertain significance. Last evaluated: 2022-11-22. Review status: criteria provided, single submitter. Criteria: Invitae Variant Classification Sherloc (09022015). Collection method: clinical testing. Allele origin: germline.
Comment: In summary, the available evidence is currently insufficient to determine the role of this variant in disease. Therefore, it has been classified as a Variant of Uncertain Significance. Advanced modeling of protein sequence and biophysical properties (such as structural, functional, and spatial information, amino acid conservation, physicochemical variation, residue mobility, and thermodynamic stability) performed at Invitae indicates that this missense variant is not expected to disrupt USH1G protein function. This variant has not been reported in the literature in individuals affected with USH1G-related conditions. This variant is not present in population databases (gnomAD no frequency). This sequence change replaces threonine, which is neutral and polar, with methionine, which is neutral and non-polar, at codon 287 of the USH1G protein (p.Thr287Met).

NM_173477.5(USH1G):c.860C>T (p.Thr287Met)

Gene: USH1G (USH1 protein network component sans; minus strand). Cytogenetic location: 17q25.1.
Variant type: single nucleotide variant.
Coding change: c.860C>T on transcript NM_173477.5 (MANE Select); coding-DNA position 860, C replaced by T.
Protein change: p.Thr287Met; replaces threonine 287 with methionine.
Molecular consequence: missense variant.
Genome position (GRCh38, 1-based): chr17:74,919,976, G>A on the plus strand (C>T on the coding strand, the complement: USH1G is on the minus strand). VCF-style: chr17-74919976-G-A. GRCh37 (hg19) VCF-style: chr17-72916071-G-A.
Other names: c.551C>T, p.Thr184Met (NM_001282489.3); short protein forms T287M, T184M.
Identifiers: ClinVar variation 2008465 (VCV002008465.4), dbSNP rs1157220921, ClinGen allele CA400962892.